The following is an entry in ClinVar:

ClinVar aggregate classification (germline): Benign/Likely benign. Review status: criteria provided, multiple submitters, no conflicts (2 of 4 stars). 4 submissions from 4 submitters: Benign (2); Likely benign (1). 1 of the submissions does not count toward it. Last evaluated 2024-11-26.

Conditions:
REST-related disorder. Also called: REST-related condition.

Allele frequency attached by ClinVar (database versions not stated): 1000 Genomes Project 0.29313; 1000 Genomes Project 30x 0.30028; gnomAD 0.34917 and 0.34946; TOPMed 0.35259.

Submissions (4):

Blueprint Genetics
Classification: Likely benign. Last evaluated: 2024-11-26. Review status: criteria provided, single submitter. Criteria: ACMG Guidelines, 2015. Collection method: clinical testing. Allele origin: germline.

GeneDx
Classification: Benign. Last evaluated: 2019-06-14. Review status: criteria provided, single submitter. Criteria: GeneDx Variant Classification Process June 2021. Collection method: clinical testing. Allele origin: germline. Affected: yes.

Breakthrough Genomics
Classification: Benign. Review status: criteria provided, single submitter. Criteria: ACMG Guidelines, 2015. Collection method: not provided. Allele origin: germline. Inheritance: Autosomal dominant inheritance. Affected: yes.

PreventionGenetics, part of Exact Sciences
Classification: Benign for REST-related condition. Last evaluated: 2022-06-02. Review status: no assertion criteria provided. Collection method: clinical testing. Allele origin: germline. Not counted in ClinVar's aggregate classification.
Comment: This variant is classified as benign based on ACMG/AMP sequence variant interpretation guidelines (Richards et al. 2015 PMID: 25741868, with internal and published modifications).

NM_005612.5(REST):c.983-2256G>A

Gene: REST (RE1 silencing transcription factor; plus strand). Cytogenetic location: 4q12.
Variant type: single nucleotide variant.
Coding change: c.983-2256G>A on transcript NM_005612.5 (MANE Select); 2256 bases into the intron before coding-DNA position 983, G replaced by A.
Molecular consequence: intron variant.
Genome position (GRCh38, 1-based): chr4:56,927,585, G>A. VCF-style: chr4-56927585-G-A. GRCh37 (hg19) VCF-style: chr4-57793751-G-A.
Other names: c.899-2256G>A (NM_001440532.1, NM_001440533.1); c.983-2256G>A (NM_001363453.3, NM_001193508.2).
Identifiers: ClinVar variation 1265482 (VCV001265482.6), dbSNP rs1105434, ClinGen allele CA15327933.